The following is an entry in ClinVar:

NM_001040616.3(LINS1):c.1861C>T (p.Arg621Trp)

Gene: LINS1 (lines homolog 1; minus strand). Cytogenetic location: 15q26.3.
Variant type: single nucleotide variant.
Coding change: c.1861C>T on transcript NM_001040616.3 (MANE Select); coding-DNA position 1861, C replaced by T.
Protein change: p.Arg621Trp; replaces arginine 621 with tryptophan.
Molecular consequence: missense variant. On other transcripts: non-coding transcript variant (3).
Genome position (GRCh38, 1-based): chr15:100,569,651, G>A on the plus strand (C>T on the coding strand, the complement: LINS1 is on the minus strand). VCF-style: chr15-100569651-G-A. GRCh37 (hg19) VCF-style: chr15-101109856-G-A.
Other names: c.1114C>T, p.Arg372Trp (NM_001352507.2); c.1708C>T, p.Arg570Trp (NM_001352508.2); short protein forms R372W, R570W, R621W.
Identifiers: ClinVar variation 3359772 (VCV003359772.1).

ClinVar aggregate classification (germline): Uncertain significance (1 of 4 stars; one submission).

gnomAD v4.1: 51 of 1,610,472 alleles (0.0032%); highest among the groups gnomAD compares: Middle Eastern, 0.016%; no homozygotes.

Submission:

GeneDx
Classification: Uncertain significance. Last evaluated: 2023-06-14. Review status: criteria provided, single submitter. Criteria: GeneDx Variant Classification Process June 2021. Collection method: clinical testing. Allele origin: germline. Affected: yes.
Comment: In silico analysis supports that this missense variant does not alter protein structure/function; Has not been previously published as pathogenic or benign to our knowledge